The following is an entry in ClinVar:

ClinVar aggregate classification (germline): Uncertain significance (1 of 4 stars; one submission).

Submission:

Labcorp Genetics (formerly Invitae), Labcorp
Classification: Uncertain significance. Last evaluated: 2022-03-20. Review status: criteria provided, single submitter. Criteria: Invitae Variant Classification Sherloc (09022015). Collection method: clinical testing. Allele origin: germline.
Comment: This sequence change replaces isoleucine, which is neutral and non-polar, with valine, which is neutral and non-polar, at codon 411 of the RCBTB1 protein (p.Ile411Val). This variant is present in population databases (no rsID available, gnomAD 0.0009%). This variant has not been reported in the literature in individuals affected with RCBTB1-related conditions. Algorithms developed to predict the effect of missense changes on protein structure and function are either unavailable or do not agree on the potential impact of this missense change (SIFT: "Deleterious"; PolyPhen-2: "Benign"; Align-GVGD: "Class C0"). In summary, the available evidence is currently insufficient to determine the role of this variant in disease. Therefore, it has been classified as a Variant of Uncertain Significance.

NM_018191.4(RCBTB1):c.1231A>G (p.Ile411Val)

Gene: RCBTB1 (RCC1 and BTB domain containing protein 1; minus strand). Cytogenetic location: 13q14.2.
Variant type: single nucleotide variant.
Coding change: c.1231A>G on transcript NM_018191.4 (MANE Select); coding-DNA position 1231, A replaced by G.
Protein change: p.Ile411Val; replaces isoleucine 411 with valine.
Molecular consequence: missense variant. On other transcripts: non-coding transcript variant (2).
Genome position (GRCh38, 1-based): chr13:49,541,769, T>C on the plus strand (A>G on the coding strand, the complement: RCBTB1 is on the minus strand). VCF-style: chr13-49541769-T-C. GRCh37 (hg19) VCF-style: chr13-50115905-T-C.
Other names: c.1231A>G, p.Ile411Val (NM_001352500.2, NM_001352501.2, NM_001352502.2 and 2 more transcripts); c.652A>G, p.Ile218Val (NM_001352506.2); short protein forms I218V, I411V.
Identifiers: ClinVar variation 2105575 (VCV002105575.1), dbSNP rs1396729038, ClinGen allele CA388187488.
Genomic context (GRCh38, chr13:49,541,769, plus strand): 5'-CTGTGTAGAGGTACTGGAGAAAGGCACGATACACTGGGTAAGAAAACTGATCGATTTCTA[T>C]CACTTCCTTCATGTCTTCATTCCAATACGACTGGAACATGGATCGAAAATGCTCACACCT-3'
Protein context (NP_060661.3, residues 401-421): SYWNEDMKEV[Ile411Val]EIDQFSYPVY